The following is an entry in ClinVar:

ClinVar aggregate classification (germline): Likely pathogenic (1 of 4 stars; one submission).

Submission:

GeneDx
Classification: Likely pathogenic. Last evaluated: 2023-09-10. Review status: criteria provided, single submitter. Criteria: GeneDx Variant Classification Process June 2021. Collection method: clinical testing. Allele origin: germline. Affected: yes.
Comment: Reported previously in a patient with ARID1A-related disorder; however, no clinical or segregation information was provided (Levy et al., 2022); Not observed at significant frequency in large population cohorts (gnomAD); In-frame deletion of 2 amino acids and insertion of 1 amino acid in a non-repeat region; In silico analysis supports a deleterious effect on protein structure/function; This variant is associated with the following publications: (PMID: 35904121)

NM_006015.6(ARID1A):c.3161_3163del (p.Leu1054_Tyr1055delinsHis)

Gene: ARID1A (AT-rich interaction domain 1A; plus strand). Cytogenetic location: 1p36.11.
Variant type: Deletion.
Coding change: c.3161_3163del on transcript NM_006015.6 (MANE Select); coding-DNA positions 3161 to 3163, 3 bases deleted (TCT; older notation c.3161_3163delTCT).
Protein change: p.Leu1054_Tyr1055delinsHis.
Molecular consequence: inframe indel.
Genome position (GRCh38, 1-based): chr1:26,767,962-26,767,964, TCT deleted. VCF-style (leftmost placement, unchanged base first): chr1-26767961-CTCT-C. GRCh37 (hg19) VCF-style: chr1-27094452-CTCT-C.
Other names: c.3161_3163del, p.Leu1054_Tyr1055delinsHis (NM_139135.4); c.3161_3163delTCT, p.Leu1054_Tyr1055delinsHis (NM_006015.4).
Identifiers: ClinVar variation 2579522 (VCV002579522.1), dbSNP rs2521936399, ClinGen allele CA2580617968.